The following is an entry in ClinVar:

NM_006019.4(TCIRG1):c.2489A>T (p.Asp830Val)

Gene: TCIRG1 (T cell immune regulator 1, ATPase H+ transporting V0 subunit a3; plus strand). Cytogenetic location: 11q13.2.
Variant type: single nucleotide variant.
Coding change: c.2489A>T on transcript NM_006019.4 (MANE Select); coding-DNA position 2489, A replaced by T.
Protein change: p.Asp830Val; replaces aspartic acid 830 with valine.
Molecular consequence: missense variant.
Genome position (GRCh38, 1-based): chr11:68,050,815, A>T. VCF-style: chr11-68050815-A-T. GRCh37 (hg19) VCF-style: chr11-67818282-A-T.
Other names: c.1595A>T, p.Asp532Val (NM_001351059.2); c.1841A>T, p.Asp614Val (NM_006053.4); short protein forms D830V, D532V, D614V.
Identifiers: ClinVar variation 1346076 (VCV001346076.8), dbSNP rs2134467223, ClinGen allele CA381593322.

ClinVar aggregate classification (germline): Uncertain significance (1 of 4 stars; one submission).

Submission:

Labcorp Genetics (formerly Invitae), Labcorp
Classification: Uncertain significance. Last evaluated: 2022-08-09. Review status: criteria provided, single submitter. Criteria: Invitae Variant Classification Sherloc (09022015). Collection method: clinical testing. Allele origin: germline.
Comment: ClinVar contains an entry for this variant (Variation ID: 1346076). This sequence change replaces aspartic acid, which is acidic and polar, with valine, which is neutral and non-polar, at codon 830 of the TCIRG1 protein (p.Asp830Val). This variant is not present in population databases (gnomAD no frequency). This variant has not been reported in the literature in individuals affected with TCIRG1-related conditions. Algorithms developed to predict the effect of missense changes on protein structure and function (SIFT, PolyPhen-2, Align-GVGD) all suggest that this variant is likely to be tolerated. In summary, the available evidence is currently insufficient to determine the role of this variant in disease. Therefore, it has been classified as a Variant of Uncertain Significance.